The following is an entry in ClinVar:

NM_002471.4(MYH6):c.4511A>G (p.Asn1504Ser)

Gene: MYH6 (myosin heavy chain 6; minus strand). Cytogenetic location: 14q11.2.
Variant type: single nucleotide variant.
Coding change: c.4511A>G on transcript NM_002471.4 (MANE Select); coding-DNA position 4511, A replaced by G.
Protein change: p.Asn1504Ser; replaces asparagine 1504 with serine.
Molecular consequence: missense variant.
Genome position (GRCh38, 1-based): chr14:23,387,772, T>C on the plus strand (A>G on the coding strand, the complement: MYH6 is on the minus strand). VCF-style: chr14-23387772-T-C. GRCh37 (hg19) VCF-style: chr14-23856981-T-C.
Other names: short protein forms N1504S.
Identifiers: ClinVar variation 1741128 (VCV001741128.2), dbSNP rs372671573, ClinGen allele CA7114747.

ClinVar aggregate classification (germline): Uncertain significance (1 of 4 stars; one submission).

Conditions:
Cardiovascular phenotype. Identifiers: MedGen CN230736.

Allele frequency attached by ClinVar (database versions not stated): gnomAD 0.00001; TOPMed 0.00001; ExAC 0.00002; ESP Exome Variant Server 0.00008.
gnomAD v4.1: 1 of 1,613,884 alleles (0.000062%); highest among the groups gnomAD compares: African/African-American, 0.0013%; no homozygotes.

Submission:

Ambry Genetics
Classification: Uncertain significance for Cardiovascular phenotype. Last evaluated: 2022-01-19. Review status: criteria provided, single submitter. Criteria: Ambry Variant Classification Scheme 2023. Collection method: clinical testing. Allele origin: germline.
Comment: The p.N1504S variant (also known as c.4511A>G), located in coding exon 29 of the MYH6 gene, results from an A to G substitution at nucleotide position 4511. The asparagine at codon 1504 is replaced by serine, an amino acid with highly similar properties. This amino acid position is conserved. In addition, the in silico prediction for this alteration is inconclusive. Since supporting evidence is limited at this time, the clinical significance of this alteration remains unclear.